The following is an entry in ClinVar:

NM_020911.2(PLXNA4):c.1372-87042A>C

Gene: PLXNA4 (plexin A4; minus strand). Cytogenetic location: 7q32.3.
Variant type: single nucleotide variant.
Coding change: c.1372-87042A>C on transcript NM_020911.2 (MANE Select); 87042 bases into the intron before coding-DNA position 1372, A replaced by C.
Molecular consequence: intron variant. On other transcripts: missense variant (1).
Genome position (GRCh38, 1-based): chr7:132,385,264, T>G on the plus strand (A>C on the coding strand, the complement: PLXNA4 is on the minus strand). VCF-style: chr7-132385264-T-G. GRCh37 (hg19) VCF-style: chr7-132070023-T-G.
Other names: c.1403A>C, p.Glu468Ala (NM_001105543.2); c.1372-87042A>C (NM_001393897.1); short protein forms E468A.
Identifiers: ClinVar variation 4989965 (VCV004989965.1).

ClinVar aggregate classification (germline): Uncertain significance (1 of 4 stars; one submission).

Conditions:
PLXNA4-related disorder. Also called: PLXNA4-related condition.

gnomAD v4.1: 3 of 1,613,848 alleles (0.00019%); highest among the groups gnomAD compares: Non-Finnish European, 0.00025%; no homozygotes.

Submission:

PreventionGenetics, part of Exact Sciences
Classification: Uncertain significance for PLXNA4-related condition. Last evaluated: 2025-03-22. Review status: criteria provided, single submitter. Criteria: ACMG Guidelines, 2015. Collection method: clinical testing. Allele origin: germline.
Comment: The PLXNA4 c.1403A>C variant is predicted to result in the amino acid substitution p.Glu468Ala. To our knowledge, this variant has not been reported in the literature. This variant is reported in 0.00089% of alleles in individuals of European (Non-Finnish) descent in gnomAD. At this time, the clinical significance of this variant is uncertain due to the absence of conclusive functional and genetic evidence.